The following is an entry in ClinVar:

NM_006506.5(RASA2):c.1868A>G (p.Lys623Arg)

Gene: RASA2 (RAS p21 protein activator 2; plus strand). Cytogenetic location: 3q23.
Variant type: single nucleotide variant.
Coding change: c.1868A>G on transcript NM_006506.5 (MANE Select); coding-DNA position 1868, A replaced by G.
Protein change: p.Lys623Arg; replaces lysine 623 with arginine.
Molecular consequence: missense variant.
Genome position (GRCh38, 1-based): chr3:141,586,687, A>G. VCF-style: chr3-141586687-A-G. GRCh37 (hg19) VCF-style: chr3-141305529-A-G.
Other names: c.1868A>G, p.Lys623Arg (NM_001303245.3, NM_001303246.3); short protein forms K623R.
Identifiers: ClinVar variation 4769298 (VCV004769298.1).

ClinVar aggregate classification (germline): Uncertain significance (1 of 4 stars; one submission).

gnomAD v4.1: 3 of 1,613,572 alleles (0.00019%); highest among the groups gnomAD compares: Non-Finnish European, 0.00025%; no homozygotes.

Submission:

Labcorp Genetics (formerly Invitae), Labcorp
Classification: Uncertain significance. Last evaluated: 2025-08-25. Review status: criteria provided, single submitter. Criteria: Invitae Variant Classification Sherloc (09022015). Collection method: clinical testing. Allele origin: germline.
Comment: This sequence change replaces lysine, which is basic and polar, with arginine, which is basic and polar, at codon 623 of the RASA2 protein (p.Lys623Arg). This variant is not present in population databases (gnomAD no frequency). This variant has not been reported in the literature in individuals affected with RASA2-related conditions. Invitae Evidence Modeling of protein sequence and biophysical properties (such as structural, functional, and spatial information, amino acid conservation, physicochemical variation, residue mobility, and thermodynamic stability) indicates that this missense variant is not expected to disrupt RASA2 protein function with a negative predictive value of 80%. In summary, the available evidence is currently insufficient to determine the role of this variant in disease. Therefore, it has been classified as a Variant of Uncertain Significance.